The following is an entry in ClinVar:

NM_001363118.2(SLC52A2):c.402CTT[1] (p.Phe135del)

Gene: SLC52A2 (solute carrier family 52 member 2; plus strand). Cytogenetic location: 8q24.3.
Variant type: Microsatellite.
Coding change: c.402CTT[1] on transcript NM_001363118.2 (MANE Select); one copy of the 3-base unit CTT starting at c.402; the reference has two copies in a row; one copy, 3 bases deleted.
Protein change: p.Phe135del; deletes phenylalanine 135.
Molecular consequence: inframe deletion. On other transcripts: non-coding transcript variant (1), intron variant (1).
Genome position (GRCh38, 1-based): chr8:144,359,897-144,359,899, CTT deleted; deleting any 3 consecutive bases within chr8:144,359,894-144,359,899 gives the same sequence; the position shown is the placement nearest the transcript's 3' end. VCF-style (leftmost placement, unchanged base first): chr8-144359893-CCTT-C. GRCh37 (hg19) VCF-style: chr8-145583553-CCTT-C.
Other names: c.402CTT[1], p.Phe135del (NM_001253815.2, NM_001253816.2, NM_001363120.2 and 2 more transcripts); c.131-218_131-216del (NM_001363122.2); short protein forms F135del.
Identifiers: ClinVar variation 929820 (VCV000929820.6), dbSNP rs1337709383, ClinGen allele CA848870182.

ClinVar aggregate classification (germline): Pathogenic (0 of 4 stars; one submission).

Conditions:
Brown-Vialetto-van Laere syndrome 2. Also called: SPINOCEREBELLAR ATAXIA WITH BLINDNESS AND DEAFNESS 2; Riboflavin transporter deficiency type 2. Identifiers: Orphanet 572543, Orphanet 97229, MedGen C3553538, MONDO:0013867, OMIM 614707.

Submission:

Elsea Laboratory, Baylor College of Medicine
Classification: Pathogenic for Brown-Vialetto-van Laere syndrome 2. Last evaluated: 2020-06-07. Review status: no assertion criteria provided. Collection method: clinical testing. Allele origin: germline, not applicable. Inheritance: Autosomal recessive inheritance. Affected: yes. Observed: 1 compound heterozygote. Functional consequence: Decreased function.
Comment: Acylcarnitine analysis and untargeted metabolomics detected biochemical changes confirming the diagnosis. The c.405_407delCTT variant has not been previously described as a pathogenic variant or a benign variant to our knowledge. This variant is not observed at a significant frequency in large population cohorts (Lek et al., 2016). In silico analyses, including splice predictors, further supports a deleterious effect.